The following is an entry in ClinVar:

ClinVar aggregate classification (germline): Likely benign. Review status: reviewed by expert panel (3 of 4 stars). 2 submissions from 2 submitters: Likely benign (1). 1 of the submissions does not count toward it. Last evaluated 2025-01-15.

Conditions:
Hereditary thrombocytopenia and hematologic cancer predisposition syndrome. Identifiers: Orphanet 71290, MedGen CN281654, MONDO:0011071.
Hereditary thrombocytopenia and hematological cancer predisposition syndrome associated with RUNX1. Also called: PLATELET DISORDER, ASPIRIN-LIKE; RUNX1 Familial Platelet Disorder with Associated Myeloid Malignancies; Familial Platelet Disorder with Propensity to Acute Myelogenous Leukemia; Familial thrombocytopenia with propensity to acute myelogenous leukemia. Identifiers: Orphanet 71290, MedGen C1832388, MeSH C563324, MONDO:0100083, OMIM 601399.

Allele frequency attached by ClinVar (database versions not stated): TOPMed 0.00014.
gnomAD v4.1: 15 of 257,014 alleles (0.0058%); highest among the groups gnomAD compares: South Asian, 0.026%; no homozygotes.

Submissions (2):

ClinGen Myeloid Malignancy Variant Curation Expert Panel
Classification: Likely benign for Hereditary thrombocytopenia and hematologic cancer predisposition syndrome. Last evaluated: 2025-01-15. Review status: reviewed by expert panel. Criteria: ClinGen MyeloMalig ACMG Specifications v2. Collection method: curation. Allele origin: germline. Inheritance: Autosomal dominant inheritance.
Comment: NM_001754.5(RUNX1):c.*267C>A is a 3' UTR variant with an MAF of 0.0002561 (0.02561%, 2/7810 alleles) in South Asian subpopulation of the gnomAD cohort v4 which is between 0.00015 (0.015%) and 0.0015 (0.15%) (BS1). In summary, this variant meets criteria to be classified as likely benign. ACMG/AMP criteria applied, as specified by the Myeloid Malignancy Variant Curation Expert Panel for RUNX1: BS1.

Illumina Laboratory Services, Illumina
Classification: Uncertain significance for Hereditary thrombocytopenia and hematological cancer predisposition syndrome associated with RUNX1. Last evaluated: 2018-01-12. Review status: criteria provided, single submitter. Criteria: ICSL Variant Classification Criteria 13 December 2019. Collection method: clinical testing. Allele origin: germline. Not counted in ClinVar's aggregate classification.

NM_001754.5(RUNX1):c.*267C>A

Gene: RUNX1 (RUNX family transcription factor 1; minus strand). Cytogenetic location: 21q22.12.
Variant type: single nucleotide variant.
Coding change: c.*267C>A on transcript NM_001754.5 (MANE Select); 267 bases downstream of the stop codon, C replaced by A.
Molecular consequence: 3 prime UTR variant.
Genome position (GRCh38, 1-based): chr21:34,791,868, G>T on the plus strand (C>A on the coding strand, the complement: RUNX1 is on the minus strand). VCF-style: chr21-34791868-G-T. GRCh37 (hg19) VCF-style: chr21-36164165-G-T.
Other names: c.*267C>A (NM_001001890.3).
Identifiers: ClinVar variation 897698 (VCV000897698.5), dbSNP rs1014918053, ClinGen allele CA320250868.